The following is an entry in ClinVar:

ClinVar aggregate classification (germline): Conflicting classifications of pathogenicity. Review status: criteria provided, conflicting classifications (1 of 4 stars). 4 submissions from 4 submitters: Uncertain significance (3); Likely benign (1). Last evaluated 2025-12-17.

Conditions:
Usher syndrome type 3B. Also called: USHER SYNDROME, TYPE IIIB. Identifiers: MedGen C3281066, MONDO:0013788, OMIM 614504.

Allele frequency attached by ClinVar (database versions not stated): TOPMed 0.00002; ESP Exome Variant Server 0.00015.

Submissions (4):

Labcorp Genetics (formerly Invitae), Labcorp
Classification: Uncertain significance for Usher syndrome type 3B. Last evaluated: 2025-12-17. Review status: criteria provided, single submitter. Criteria: Invitae Variant Classification Sherloc (09022015). Collection method: clinical testing. Allele origin: germline.
Comment: This sequence change replaces arginine, which is basic and polar, with glutamine, which is neutral and polar, at codon 405 of the HARS protein (p.Arg405Gln). This variant is present in population databases (rs147185134, gnomAD 0.01%). This variant has not been reported in the literature in individuals affected with HARS-related conditions. ClinVar contains an entry for this variant (Variation ID: 948429). Invitae Evidence Modeling of protein sequence and biophysical properties (such as structural, functional, and spatial information, amino acid conservation, physicochemical variation, residue mobility, and thermodynamic stability) indicates that this missense variant is not expected to disrupt HARS protein function with a negative predictive value of 80%. In summary, the available evidence is currently insufficient to determine the role of this variant in disease. Therefore, it has been classified as a Variant of Uncertain Significance.

Ambry Genetics
Classification: Likely benign. Last evaluated: 2025-02-28. Review status: criteria provided, single submitter. Criteria: Ambry Variant Classification Scheme 2023. Collection method: clinical testing. Allele origin: germline.

GeneDx
Classification: Uncertain significance. Last evaluated: 2022-09-16. Review status: criteria provided, single submitter. Criteria: GeneDx Variant Classification Process June 2021. Collection method: clinical testing. Allele origin: germline. Affected: yes.
Comment: In silico analysis supports that this missense variant has a deleterious effect on protein structure/function; Has not been previously published as pathogenic or benign to our knowledge

Blueprint Genetics
Classification: Uncertain significance. Last evaluated: 2022-01-28. Review status: criteria provided, single submitter. Criteria: ACMG Guidelines, 2015. Collection method: clinical testing. Allele origin: germline.

NM_002109.6(HARS1):c.1214G>A (p.Arg405Gln)

Gene: HARS1 (histidyl-tRNA synthetase 1; minus strand). Cytogenetic location: 5q31.3.
Variant type: single nucleotide variant.
Coding change: c.1214G>A on transcript NM_002109.6 (MANE Select); coding-DNA position 1214, G replaced by A.
Protein change: p.Arg405Gln; replaces arginine 405 with glutamine.
Molecular consequence: missense variant.
Genome position (GRCh38, 1-based): chr5:140,675,114, C>T on the plus strand (G>A on the coding strand, the complement: HARS1 is on the minus strand). VCF-style: chr5-140675114-C-T. GRCh37 (hg19) VCF-style: chr5-140054699-C-T.
Other names: c.1094G>A, p.Arg365Gln (NM_001258040.3); c.1154G>A, p.Arg385Gln (NM_001258041.3); c.1034G>A, p.Arg345Gln (NM_001258042.3); c.992G>A, p.Arg331Gln (NM_001289092.2); c.872G>A, p.Arg291Gln (NM_001289093.2); c.1127G>A, p.Arg376Gln (NM_001289094.2); c.1214G>A (NM_002109.3); short protein forms R331Q, R345Q, R291Q, R376Q, R405Q, R365Q, R385Q.
Identifiers: ClinVar variation 948429 (VCV000948429.13), dbSNP rs147185134, ClinGen allele CA3443878.